The following is an entry in ClinVar:

NM_001386298.1(CIC):c.2406G>A (p.Val802=)

Gene: CIC (capicua transcriptional repressor; plus strand). Cytogenetic location: 19q13.2.
Variant type: single nucleotide variant.
Coding change: c.2406G>A on transcript NM_001386298.1 (MANE Select); coding-DNA position 2406, G replaced by A.
Protein change: p.Val802=; no amino-acid change (valine 802 retained).
Molecular consequence: synonymous variant.
Genome position (GRCh38, 1-based): chr19:42,274,189, G>A. VCF-style: chr19-42274189-G-A. GRCh37 (hg19) VCF-style: chr19-42778341-G-A.
Other names: c.2406G>A, p.Val802= (NM_001304815.2, NM_001379480.1, NM_001379482.1 and 1 more transcripts).
Identifiers: ClinVar variation 3053738 (VCV003053738.2), dbSNP rs1033110275, ClinGen allele CA308615930.

ClinVar aggregate classification (germline): Likely benign (0 of 4 stars; one submission).

Conditions:
CIC-related disorder. Also called: CIC-related condition.

Allele frequency attached by ClinVar (database versions not stated): gnomAD exomes 0.00002; TOPMed 0.00004; gnomAD 0.00005.

Submission:

PreventionGenetics, part of Exact Sciences
Classification: Likely benign for CIC-related condition. Last evaluated: 2019-08-14. Review status: no assertion criteria provided. Collection method: clinical testing. Allele origin: germline.
Comment: This variant is classified as likely benign based on ACMG/AMP sequence variant interpretation guidelines (Richards et al. 2015 PMID: 25741868, with internal and published modifications).